The following is an entry in ClinVar:

NM_018489.3(ASH1L):c.4793C>T (p.Ala1598Val)

Gene: ASH1L (ASH1 like histone lysine methyltransferase; minus strand). Cytogenetic location: 1q22.
Variant type: single nucleotide variant.
Coding change: c.4793C>T on transcript NM_018489.3 (MANE Select); coding-DNA position 4793, C replaced by T.
Protein change: p.Ala1598Val; replaces alanine 1598 with valine.
Molecular consequence: missense variant.
Genome position (GRCh38, 1-based): chr1:155,478,077, G>A on the plus strand (C>T on the coding strand, the complement: ASH1L is on the minus strand). VCF-style: chr1-155478077-G-A. GRCh37 (hg19) VCF-style: chr1-155447868-G-A.
Other names: c.4793C>T, p.Ala1598Val (NM_001366177.2); short protein forms A1598V.
Identifiers: ClinVar variation 2367145 (VCV002367145.30), dbSNP rs72993485, ClinGen allele CA1146886.

ClinVar aggregate classification (germline): Benign/Likely benign. Review status: criteria provided, multiple submitters, no conflicts (2 of 4 stars). 3 submissions from 3 submitters: Benign (1); Likely benign (2). Last evaluated 2026-01-01.

Conditions:
Inborn genetic diseases. Identifiers: MedGen C0950123, MeSH D030342.
Intellectual developmental disorder, autosomal dominant 52. Also called: Intellectual disability, autosomal dominant 52; Mental retardation, autosomal dominant 52. Identifiers: MedGen C4540478, MONDO:0030918, OMIM 617796.

Allele frequency attached by ClinVar (database versions not stated): gnomAD exomes 0.00017; ExAC 0.00059; 1000 Genomes Project 0.00140; gnomAD 0.00160; TOPMed 0.00196; 1000 Genomes Project 30x 0.00203; ESP Exome Variant Server 0.00215.
gnomAD v4.1: 499 of 1,614,158 alleles (0.031%); highest among the groups gnomAD compares: African/African-American, 0.61%; 1 homozygote.

Submissions (3):

CeGaT Center for Human Genetics Tuebingen
Classification: Likely benign. Last evaluated: 2026-01-01. Review status: criteria provided, single submitter. Criteria: CeGaT Center For Human Genetics Tuebingen Variant Classification Criteria Version 2. Collection method: clinical testing. Allele origin: germline. Affected: yes. Observed: 2 variant alleles.
Comment: ASH1L: BS1

Genome-Nilou Lab
Classification: Likely benign for Intellectual developmental disorder, autosomal dominant 52. Last evaluated: 2023-04-11. Review status: criteria provided, single submitter. Criteria: ACMG Guidelines, 2015. Collection method: clinical testing. Allele origin: germline. Affected: no.

Ambry Genetics
Classification: Benign for Inborn genetic diseases. Last evaluated: 2022-03-27. Review status: criteria provided, single submitter. Criteria: Ambry Variant Classification Scheme 2023. Collection method: clinical testing. Allele origin: germline.